The following is an entry in ClinVar:

NM_004360.5(CDH1):c.89C>G (p.Pro30Arg)

Gene: CDH1 (cadherin 1; plus strand). Cytogenetic location: 16q22.1.
Variant type: single nucleotide variant.
Coding change: c.89C>G on transcript NM_004360.5 (MANE Select); coding-DNA position 89, C replaced by G.
Protein change: p.Pro30Arg; replaces proline 30 with arginine.
Molecular consequence: missense variant. On other transcripts: 5 prime UTR variant (2).
Genome position (GRCh38, 1-based): chr16:68,738,337, C>G. VCF-style: chr16-68738337-C-G. GRCh37 (hg19) VCF-style: chr16-68772240-C-G.
Other names: c.89C>G (LRG_301t1); c.89C>G, p.Pro30Arg (NM_001317184.2); c.-1527C>G (NM_001317185.2); c.-1731C>G (NM_001317186.2); short protein forms P30R.
Identifiers: ClinVar variation 233438 (VCV000233438.20), dbSNP rs876660408, ClinGen allele CA10580069.
Genomic context (GRCh38, chr16:68,738,337, plus strand): 5'-CTACCTTTCCCCCACCCCAGGTCTCCTCTTGGCTCTGCCAGGAGCCGGAGCCCTGCCACC[C>G]TGGCTTTGACGCCGAGAGCTACACGTTCACGGTGCCCCGGCGCCACCTGGAGAGAGGCCG-3'
Protein context (NP_004351.1, residues 20-40): WLCQEPEPCH[Pro30Arg]GFDAESYTFT

ClinVar aggregate classification (germline): Uncertain significance. Review status: criteria provided, multiple submitters, no conflicts (2 of 4 stars). 4 submissions from 4 submitters: Uncertain significance (4). Last evaluated 2025-06-06.

Conditions:
Hereditary cancer-predisposing syndrome. Also called: Tumor predisposition; Hereditary Cancer Syndrome; Hereditary neoplastic syndrome; Neoplastic Syndromes, Hereditary. Identifiers: Orphanet 140162, MedGen C0027672, MeSH D009386, MONDO:0015356.
Hereditary diffuse gastric adenocarcinoma (HDGC). Also called: DIFFUSE GASTRIC AND LOBULAR BREAST CANCER SYNDROME. Identifiers: Orphanet 26106, MedGen C1708349, MONDO:0007648, OMIM 137215.

Allele frequency attached by ClinVar (database versions not stated): gnomAD exomes below 0.00001 and 0.00001.
gnomAD v4.1: 3 of 1,538,400 alleles (0.0002%); highest among the groups gnomAD compares: Non-Finnish European, 0.000088%; no homozygotes.

Submissions (4):

Ambry Genetics
Classification: Uncertain significance for Hereditary cancer-predisposing syndrome. Last evaluated: 2025-06-06. Review status: criteria provided, single submitter. Criteria: Ambry Variant Classification Scheme 2023. Collection method: clinical testing. Allele origin: germline.
Comment: The p.P30R variant (also known as c.89C>G), located in coding exon 2 of the CDH1 gene, results from a C to G substitution at nucleotide position 89. The proline at codon 30 is replaced by arginine, an amino acid with dissimilar properties. This amino acid position is well conserved in available vertebrate species. In addition, the in silico prediction for this alteration is inconclusive. Since supporting evidence is limited at this time, the clinical significance of this alteration remains unclear.

Color Diagnostics, LLC DBA Color Health
Classification: Uncertain significance for Hereditary cancer-predisposing syndrome. Last evaluated: 2024-02-20. Review status: criteria provided, single submitter. Criteria: ACMG Guidelines, 2015. Collection method: clinical testing. Allele origin: germline.
Comment: This missense variant replaces proline with arginine at codon 30 of the CDH1 protein. To our knowledge, functional studies have not been reported for this variant. This variant has been reported in an individual affected with an unspecified cancer in the literature (PMID: 36436516). This variant has been identified in 1/156486 chromosomes in the general population by the Genome Aggregation Database (gnomAD). The available evidence is insufficient to determine the role of this variant in disease conclusively. Therefore, this variant is classified as a Variant of Uncertain Significance.

Labcorp Genetics (formerly Invitae), Labcorp
Classification: Uncertain significance for Hereditary diffuse gastric adenocarcinoma. Last evaluated: 2024-01-08. Review status: criteria provided, single submitter. Criteria: Invitae Variant Classification Sherloc (09022015). Collection method: clinical testing. Allele origin: germline.
Comment: This sequence change replaces proline, which is neutral and non-polar, with arginine, which is basic and polar, at codon 30 of the CDH1 protein (p.Pro30Arg). This variant is present in population databases (no rsID available, gnomAD no frequency). This variant has not been reported in the literature in individuals affected with CDH1-related conditions. ClinVar contains an entry for this variant (Variation ID: 233438). An algorithm developed to predict the effect of missense changes on protein structure and function (PolyPhen-2) suggests that this variant is likely to be disruptive. In summary, the available evidence is currently insufficient to determine the role of this variant in disease. Therefore, it has been classified as a Variant of Uncertain Significance.

European Reference Network on Genetic Tumour Risk Syndromes (ERN-GENTURIS), i3s - Instituto de Investigação e Inovação em Saúde, University of Porto
Classification: Uncertain significance for Hereditary diffuse gastric adenocarcinoma. Last evaluated: 2022-08-01. Review status: criteria provided, single submitter. Criteria: Lee et al. (Hum Mutat. 2018). Collection method: clinical testing. Allele origin: germline. Inheritance: Autosomal dominant inheritance. Affected: no. Study: ERN GENTURIS.
Comment: PM2 (PMID: 30311375)

Literature cited by the submitters: PubMed 36436516 (cited by Color Diagnostics, LLC DBA Color Health and European Reference Network on Genetic Tumour Risk Syndromes (ERN-GENTURIS), i3s - Instituto de Investigação e Inovação em Saúde, University of Porto).